The following is an entry in ClinVar:

ClinVar aggregate classification (germline): Uncertain significance. Review status: criteria provided, multiple submitters, no conflicts (2 of 4 stars). 3 submissions from 3 submitters: Uncertain significance (3). Last evaluated 2023-11-07.

Conditions:
Hypophosphatemic rickets, autosomal recessive, 1 (ARHR1). Also called: HYPOPHOSPHATEMIA, AUTOSOMAL RECESSIVE. Identifiers: Orphanet 289176, MedGen C4551495, MONDO:0009430, OMIM 241520. Disease mechanism: loss of function.

Allele frequency attached by ClinVar (database versions not stated): gnomAD exomes below 0.00001 and 0.00002; gnomAD 0.00001; ExAC 0.00002; 1000 Genomes Project 30x 0.00016; 1000 Genomes Project 0.00020.
gnomAD v4.1: 4 of 1,614,220 alleles (0.00025%); highest among the groups gnomAD compares: East Asian, 0.0067%; no homozygotes.

Submissions (3):

Women's Health and Genetics/Laboratory Corporation of America, LabCorp
Classification: Uncertain significance. Last evaluated: 2023-11-07. Review status: criteria provided, single submitter. Criteria: LabCorp Variant Classification Summary - May 2015. Collection method: clinical testing. Allele origin: germline.
Comment: Variant summary: DMP1 c.709A>G (p.Met237Val) results in a conservative amino acid change in the encoded protein sequence. Five of five in-silico tools predict a benign effect of the variant on protein function. The variant allele was found at a frequency of 1.6e-05 in 250808 control chromosomes. The available data on variant occurrences in the general population are insufficient to allow any conclusion about variant significance. To our knowledge, no occurrence of c.709A>G in individuals affected with Hypophosphatemic Rickets, Autosomal Recessive, 1 and no experimental evidence demonstrating its impact on protein function have been reported. Two submitters have cited clinical-significance assessments for this variant to ClinVar after 2014. All submitters classified the variant as uncertain significance. Based on the evidence outlined above, the variant was classified as uncertain significance.

Fulgent Genetics
Classification: Uncertain significance for Hypophosphatemic rickets, autosomal recessive, 1. Last evaluated: 2021-08-14. Review status: criteria provided, single submitter. Criteria: ACMG Guidelines, 2015. Collection method: clinical testing. Allele origin: unknown.

Illumina Laboratory Services, Illumina
Classification: Uncertain significance for Hypophosphatemic rickets, autosomal recessive, 1. Last evaluated: 2018-01-13. Review status: criteria provided, single submitter. Criteria: ICSL Variant Classification Criteria 13 December 2019. Collection method: clinical testing. Allele origin: germline.

NM_004407.4(DMP1):c.709A>G (p.Met237Val)

Genes: DMP1-AS1 (DMP1 and DSPP antisense RNA 1; minus strand), DMP1 (dentin matrix acidic phosphoprotein 1; plus strand). Cytogenetic location: 4q22.1.
Variant type: single nucleotide variant.
Coding change: c.709A>G on transcript NM_004407.4 (MANE Select); coding-DNA position 709, A replaced by G.
Protein change: p.Met237Val; replaces methionine 237 with valine.
Molecular consequence: missense variant.
Genome position (GRCh38, 1-based): chr4:87,662,487, A>G. VCF-style: chr4-87662487-A-G. GRCh37 (hg19) VCF-style: chr4-88583639-A-G.
Other names: c.661A>G, p.Met221Val (NM_001079911.3); short protein forms M237V, M221V.
Identifiers: ClinVar variation 349977 (VCV000349977.7), dbSNP rs201413886, ClinGen allele CA3002080.